The following is an entry in ClinVar:

ClinVar aggregate classification (germline): Uncertain significance (1 of 4 stars; one submission).

Conditions:
Inborn genetic diseases. Identifiers: MedGen C0950123, MeSH D030342.

Allele frequency attached by ClinVar (database versions not stated): gnomAD 0.00001; TOPMed 0.00001.

Submission:

Ambry Genetics
Classification: Uncertain significance for Inborn genetic diseases. Last evaluated: 2020-11-24. Review status: criteria provided, single submitter. Criteria: Ambry Variant Classification Scheme 2023. Collection method: clinical testing. Allele origin: germline.
Comment: The c.1278A>G (p.I426M) alteration is located in coding exon 12 of the EED gene. This alteration results from an A to G substitution at nucleotide position 1278, causing the isoleucine (I) at amino acid position 426 to be replaced by a methionine (M). Based on data from the Genome Aggregation Database (gnomAD) database, the EED c.1278A>G alteration was observed in 0.0004% (1/251186) of total alleles studied. The p.I426 amino acid is conserved in available vertebrate species. The p.I426M alteration is predicted to be tolerated by in silico analysis. Additionally, this missense alteration is located in a region that has a low rate of benign missense variation (Lek, 2016; Firth, 2009). Based on insufficient or conflicting evidence, the clinical significance of this alteration remains unclear.

NM_003797.5(EED):c.1278A>G (p.Ile426Met)

Gene: EED (embryonic ectoderm development; plus strand). Cytogenetic location: 11q14.2.
Variant type: single nucleotide variant.
Coding change: c.1278A>G on transcript NM_003797.5 (MANE Select); coding-DNA position 1278, A replaced by G.
Protein change: p.Ile426Met; replaces isoleucine 426 with methionine.
Molecular consequence: missense variant.
Genome position (GRCh38, 1-based): chr11:86,278,477, A>G. VCF-style: chr11-86278477-A-G. GRCh37 (hg19) VCF-style: chr11-85989519-A-G.
Other names: c.1353A>G, p.Ile451Met (NM_001308007.2); c.1038A>G, p.Ile346Met (NM_001330334.2); short protein forms I346M, I426M, I451M.
Identifiers: ClinVar variation 2227905 (VCV002227905.2), dbSNP rs951387529, ClinGen allele CA225337745.
Genomic context (GRCh38, chr11:86,278,477, plus strand): 5'-TCATAAATGTGGTGCTGCTATTCGACAAACCAGTTTTAGCAGGGATAGCAGCATTCTTAT[A>G]GCTGTTTGTGATGATGCCAGTATTTGGCGCTGGGATCGACTTCGATAAAATACTTTTGCC-3'
Protein context (NP_003788.2, residues 416-436): TSFSRDSSIL[Ile426Met]AVCDDASIWR